The following is an entry in ClinVar:

NM_001365536.1(SCN9A):c.2081G>C (p.Ser694Thr)

Genes: SCN1A-AS1 (SCN1A and SCN9A antisense RNA 1; plus strand), SCN9A (sodium voltage-gated channel alpha subunit 9; minus strand). Cytogenetic location: 2q24.3.
Variant type: single nucleotide variant.
Coding change: c.2081G>C on transcript NM_001365536.1 (MANE Select); coding-DNA position 2081, G replaced by C.
Protein change: p.Ser694Thr; replaces serine 694 with threonine.
Molecular consequence: missense variant.
Genome position (GRCh38, 1-based): chr2:166,281,702, C>G on the plus strand (G>C on the coding strand, the complement: SCN9A is on the minus strand). VCF-style: chr2-166281702-C-G. GRCh37 (hg19) VCF-style: chr2-167138212-C-G.
Other names: c.2048G>C, p.Ser683Thr (NM_002977.4); short protein forms S683T, S694T.
Identifiers: ClinVar variation 1785004 (VCV001785004.2), dbSNP rs752751487, ClinGen allele CA349080946.

ClinVar aggregate classification (germline): Uncertain significance (1 of 4 stars; one submission).

Conditions:
Inborn genetic diseases. Identifiers: MedGen C0950123, MeSH D030342.

gnomAD v4.1: 2 of 1,613,136 alleles (0.00012%); highest among the groups gnomAD compares: Admixed American, 0.0033%; no homozygotes.

Submission:

Ambry Genetics
Classification: Uncertain significance for Inborn genetic diseases. Last evaluated: 2021-04-23. Review status: criteria provided, single submitter. Criteria: Ambry Variant Classification Scheme 2023. Collection method: clinical testing. Allele origin: germline.
Comment: The p.S683T variant (also known as c.2048G>C), located in coding exon 12 of the SCN9A gene, results from a G to C substitution at nucleotide position 2048. The serine at codon 683 is replaced by threonine, an amino acid with similar properties. This amino acid position is well conserved in available vertebrate species. In addition, the in silico prediction for this alteration is inconclusive. Since supporting evidence is limited at this time, the clinical significance of this alteration remains unclear.